The following is an entry in ClinVar:

NM_001267727.2(ARSG):c.1486G>A (p.Asp496Asn)

Genes: ARSG (arylsulfatase G; plus strand), PRKAR1A (protein kinase cAMP-dependent type I regulatory subunit alpha; plus strand). Cytogenetic location: 17q24.2.
Variant type: single nucleotide variant.
Coding change: c.1486G>A on transcript NM_001267727.2 (MANE Select); coding-DNA position 1486, G replaced by A.
Protein change: p.Asp496Asn; replaces aspartic acid 496 with asparagine.
Molecular consequence: missense variant. On other transcripts: intron variant (3).
Genome position (GRCh38, 1-based): chr17:68,420,371, G>A. VCF-style: chr17-68420371-G-A. GRCh37 (hg19) VCF-style: chr17-66416512-G-A.
Other names: c.1486G>A, p.Asp496Asn (NM_001352899.2, NM_001352900.2, NM_001352901.2 and 2 more transcripts); c.1483G>A, p.Asp495Asn (NM_001352903.2, NM_001352904.2, NM_001352905.2 and 2 more transcripts); c.1303+18921G>A (NM_001352910.2); c.1255+18921G>A (NM_001352909.2); c.-7+6576G>A (NM_001278433.2); short protein forms D495N, D496N.
Identifiers: ClinVar variation 856130 (VCV000856130.24), dbSNP rs143160105, ClinGen allele CA8728591.

ClinVar aggregate classification (germline): Uncertain significance. Review status: criteria provided, multiple submitters, no conflicts (2 of 4 stars). 3 submissions from 3 submitters: Uncertain significance (3). Last evaluated 2025-10-01.

Allele frequency attached by ClinVar (database versions not stated): gnomAD 0.00007 and 0.00008; 1000 Genomes Project 30x 0.00016; 1000 Genomes Project 0.00020; TOPMed 0.00009; gnomAD exomes 0.00016 and 0.00009; ESP Exome Variant Server 0.00023; ExAC 0.00016.
gnomAD v4.1: 145 of 1,614,122 alleles (0.009%); highest among the groups gnomAD compares: Admixed American, 0.017%; no homozygotes.

Submissions (3):

CeGaT Center for Human Genetics Tuebingen
Classification: Uncertain significance. Last evaluated: 2025-10-01. Review status: criteria provided, single submitter. Criteria: CeGaT Center For Human Genetics Tuebingen Variant Classification Criteria Version 2. Collection method: clinical testing. Allele origin: germline. Affected: yes. Observed: 2 variant alleles.
Comment: ARSG: PM2, BP4

Blueprint Genetics
Classification: Uncertain significance. Last evaluated: 2024-11-07. Review status: criteria provided, single submitter. Criteria: ACMG Guidelines, 2015. Collection method: clinical testing. Allele origin: germline.

Labcorp Genetics (formerly Invitae), Labcorp
Classification: Uncertain significance. Last evaluated: 2022-10-24. Review status: criteria provided, single submitter. Criteria: Invitae Variant Classification Sherloc (09022015). Collection method: clinical testing. Allele origin: germline.
Comment: This sequence change replaces aspartic acid, which is acidic and polar, with asparagine, which is neutral and polar, at codon 496 of the ARSG protein (p.Asp496Asn). This variant is present in population databases (rs143160105, gnomAD 0.1%). This variant has not been reported in the literature in individuals affected with ARSG-related conditions. ClinVar contains an entry for this variant (Variation ID: 856130). Algorithms developed to predict the effect of missense changes on protein structure and function are either unavailable or do not agree on the potential impact of this missense change (SIFT: "Tolerated"; PolyPhen-2: "Probably Damaging"; Align-GVGD: "Class C0"). In summary, the available evidence is currently insufficient to determine the role of this variant in disease. Therefore, it has been classified as a Variant of Uncertain Significance.